The following is an entry in ClinVar:

NM_139058.3(ARX):c.86T>C (p.Ile29Thr)

Gene: ARX (aristaless related homeobox; minus strand). Cytogenetic location: Xp21.3.
Variant type: single nucleotide variant.
Coding change: c.86T>C on transcript NM_139058.3 (MANE Select); coding-DNA position 86, T replaced by C.
Protein change: p.Ile29Thr; replaces isoleucine 29 with threonine.
Molecular consequence: missense variant.
Genome position (GRCh38, 1-based): chrX:25,015,652, A>G on the plus strand (T>C on the coding strand, the complement: ARX is on the minus strand). VCF-style: chrX-25015652-A-G. GRCh37 (hg19) VCF-style: chrX-25033769-A-G.
Other names: short protein forms I29T.
Identifiers: ClinVar variation 1473004 (VCV001473004.9), dbSNP rs2147325441, ClinGen allele CA412613927.
Genomic context (GRCh38, chrX:25,015,652, plus strand): 5'-CTCTGCGCGGCTCCCAGCAACCGCATTTTGCACGGGCTCCTCCGGCCCAGGATGCTGTCG[A>G]TGCAGTAGGAGGAGAGCAAAGTTGGAGATTTACTTTTGCACTCGGGCCTCTCGGAGCAGC-3'
Protein context (NP_620689.1, residues 19-39): KSPTLLSSYC[Ile29Thr]DSILGRRSPC

ClinVar aggregate classification (germline): Uncertain significance. Review status: criteria provided, multiple submitters, no conflicts (2 of 4 stars). 2 submissions from 2 submitters: Uncertain significance (2). Last evaluated 2024-09-29.

Conditions:
ARX-related disorder. Also called: ARX-related condition; ARX-Related Disorders. Identifiers: MedGen CN378769.
Developmental and epileptic encephalopathy, 1 (DEE1). Also called: Epileptic encephalopathy, early infantile, 1; X-linked infantile spasms; West's syndrome; Tonic spasms with clustering, arrest of psychomotor development and hypsarrhythmia on EEG; X-Linked Infantile Spasm Syndrome; OHTAHARA SYNDROME, X-LINKED. Identifiers: MedGen C3463992, MONDO:0010632, OMIM 308350. Disease mechanism: loss of function.
Intellectual disability, X-linked, with or without seizures, ARX-related. Also called: MENTAL RETARDATION, X-LINKED 29; MENTAL RETARDATION, X-LINKED 32; MENTAL RETARDATION, X-LINKED 33; MENTAL RETARDATION, X-LINKED 38; MENTAL RETARDATION, X-LINKED 43; MENTAL RETARDATION, X-LINKED 76. Identifiers: Orphanet 777, MedGen C0796244, MONDO:0010317, OMIM 300419.

Submissions (2):

3billion
Classification: Uncertain significance for ARX-related disorder. Last evaluated: 2024-09-29. Review status: criteria provided, single submitter. Criteria: ACMG Guidelines, 2015. Collection method: clinical testing. Allele origin: germline. Affected: yes.
Comment: The variant is not observed in the gnomAD v4.1.0 dataset. Predicted Consequence/Location: Missense variant In silico tool predictions suggest damaging effect of the variant on gene or gene product [REVEL: 0.77 (>=0.6, sensitivity 0.68 and specificity 0.92)]. The variant has been reported as of uncertain significance (ClinVar ID: VCV001473004). Therefore, this variant is classified as VUS according to the recommendation of ACMG/AMP guideline.

Labcorp Genetics (formerly Invitae), Labcorp
Classification: Uncertain significance for Developmental and epileptic encephalopathy, 1; Intellectual disability, X-linked, with or without seizures, ARX-related. Last evaluated: 2022-06-27. Review status: criteria provided, single submitter. Criteria: Invitae Variant Classification Sherloc (09022015). Collection method: clinical testing. Allele origin: germline.
Comment: This sequence change replaces isoleucine, which is neutral and non-polar, with threonine, which is neutral and polar, at codon 29 of the ARX protein (p.Ile29Thr). This variant is not present in population databases (gnomAD no frequency). This variant has not been reported in the literature in individuals affected with ARX-related conditions. Advanced modeling of protein sequence and biophysical properties (such as structural, functional, and spatial information, amino acid conservation, physicochemical variation, residue mobility, and thermodynamic stability) performed at Invitae indicates that this missense variant is expected to disrupt ARX protein function. In summary, the available evidence is currently insufficient to determine the role of this variant in disease. Therefore, it has been classified as a Variant of Uncertain Significance.